The following is an entry in ClinVar:

NM_000038.6(APC):c.3877A>T (p.Thr1293Ser)

Gene: APC (APC regulator of Wnt signaling pathway; plus strand). Cytogenetic location: 5q22.2.
Variant type: single nucleotide variant.
Coding change: c.3877A>T on transcript NM_000038.6 (MANE Select); coding-DNA position 3877, A replaced by T.
Protein change: p.Thr1293Ser; replaces threonine 1293 with serine.
Molecular consequence: missense variant. On other transcripts: non-coding transcript variant (2).
Genome position (GRCh38, 1-based): chr5:112,839,471, A>T. VCF-style: chr5-112839471-A-T. GRCh37 (hg19) VCF-style: chr5-112175168-A-T.
Other names: c.3877A>T, p.Thr1293Ser (NM_001127510.3, NM_001354895.2, NM_001407450.1); c.3823A>T, p.Thr1275Ser (NM_001127511.3); c.3931A>T, p.Thr1311Ser (NM_001354896.2, NM_001407447.1, NM_001407448.1 and 1 more transcripts); c.3907A>T, p.Thr1303Ser (NM_001354897.2); c.3802A>T, p.Thr1268Ser (NM_001354898.2); c.3793A>T, p.Thr1265Ser (NM_001354899.2); c.3754A>T, p.Thr1252Ser (NM_001354900.2); c.3700A>T, p.Thr1234Ser (NM_001354901.2, NM_001407453.1); and 11 more; short protein forms T1164S, T1167S, T1192S, T1234S, T1293S, T1321S, T1210S, T1303S.
Identifiers: ClinVar variation 3928615 (VCV003928615.1).

ClinVar aggregate classification (germline): Uncertain significance (1 of 4 stars; one submission).

Conditions:
Hereditary cancer-predisposing syndrome. Also called: Hereditary Cancer Syndrome; Hereditary neoplastic syndrome; Neoplastic Syndromes, Hereditary; Tumor predisposition. Identifiers: Orphanet 140162, MedGen C0027672, MeSH D009386, MONDO:0015356.

Submission:

Ambry Genetics
Classification: Uncertain significance for Hereditary cancer-predisposing syndrome. Last evaluated: 2025-04-10. Review status: criteria provided, single submitter. Criteria: Ambry Variant Classification Scheme 2023. Collection method: clinical testing. Allele origin: germline.
Comment: The p.T1293S variant (also known as c.3877A>T), located in coding exon 15 of the APC gene, results from an A to T substitution at nucleotide position 3877. The threonine at codon 1293 is replaced by serine, an amino acid with similar properties. This amino acid position is conserved. In addition, in silico predictors for this gene do not accurately predict pathogenicity. Based on the available evidence, the clinical significance of this variant remains unclear.